The following is an entry in ClinVar:

ClinVar aggregate classification (germline): Pathogenic (1 of 4 stars; one submission).

Submission:

Labcorp Genetics (formerly Invitae), Labcorp
Classification: Pathogenic. Last evaluated: 2023-05-22. Review status: criteria provided, single submitter. Criteria: Invitae Variant Classification Sherloc (09022015). Collection method: clinical testing. Allele origin: unknown.
Comment: For these reasons, this variant has been classified as Pathogenic. This variant has not been reported in the literature in individuals affected with EYS-related conditions. This variant is a gross deletion of the genomic region encompassing exon(s) 5-8 of the EYS gene. This deletion is out-of-frame, and is expected to create a premature termination codon and result in an absent or disrupted protein product. Loss-of-function variants in EYS are known to be pathogenic (PMID: 18836446, 20333770).

Literature cited by the submitters: PubMed 18836446; PubMed 20333770.

NC_000006.11:g.(?_66094259)_(66200620_?)del

Gene: EYS (eyes shut homolog; minus strand). Cytogenetic location: 6q12.
Variant type: Deletion.
Identifiers: ClinVar variation 3246125 (VCV003246125.1).